The following is an entry in ClinVar:

ClinVar aggregate classification (germline): Uncertain significance (1 of 4 stars; one submission).

gnomAD v4.1: 7 of 1,608,208 alleles (0.00044%); highest among the groups gnomAD compares: East Asian, 0.0022%; no homozygotes.

Submission:

Labcorp Genetics (formerly Invitae), Labcorp
Classification: Uncertain significance. Last evaluated: 2024-07-15. Review status: criteria provided, single submitter. Criteria: Invitae Variant Classification Sherloc (09022015). Collection method: clinical testing. Allele origin: germline.
Comment: This sequence change replaces alanine, which is neutral and non-polar, with valine, which is neutral and non-polar, at codon 875 of the MYO7A protein (p.Ala875Val). The frequency data for this variant in the population databases is considered unreliable, as metrics indicate poor data quality at this position in the gnomAD database. This variant has not been reported in the literature in individuals affected with MYO7A-related conditions. ClinVar contains an entry for this variant (Variation ID: 2144243). Advanced modeling of protein sequence and biophysical properties (such as structural, functional, and spatial information, amino acid conservation, physicochemical variation, residue mobility, and thermodynamic stability) performed at Invitae indicates that this missense variant is not expected to disrupt MYO7A protein function with a negative predictive value of 95%. In summary, the available evidence is currently insufficient to determine the role of this variant in disease. Therefore, it has been classified as a Variant of Uncertain Significance.

NM_000260.4(MYO7A):c.2624C>T (p.Ala875Val)

Gene: MYO7A (myosin VIIA; plus strand). Cytogenetic location: 11q13.5.
Variant type: single nucleotide variant.
Coding change: c.2624C>T on transcript NM_000260.4 (MANE Select); coding-DNA position 2624, C replaced by T.
Protein change: p.Ala875Val; replaces alanine 875 with valine.
Molecular consequence: missense variant.
Genome position (GRCh38, 1-based): chr11:77,180,411, C>T. VCF-style: chr11-77180411-C-T. GRCh37 (hg19) VCF-style: chr11-76891457-C-T.
Other names: c.2624C>T, p.Ala875Val (NM_001127180.2); c.2591C>T, p.Ala864Val (NM_001369365.1); short protein forms A864V, A875V.
Identifiers: ClinVar variation 2144243 (VCV002144243.3), dbSNP rs782016805, ClinGen allele CA6197881.
Genomic context (GRCh38, chr11:77,180,411, plus strand): 5'-CTCTGGATGCCCCCTTCCCTCAGTATCTGTGGCGCCTCGAGGCTGAGAAAATGCGGCTGG[C>T]GGAGGAAGAGAAGCTTCGGAAGGAGATGAGCGCCAAGAAGGCCAAGGAGGAGGCCGAGCG-3'
Protein context (NP_000251.3, residues 865-885): WRLEAEKMRL[Ala875Val]EEEKLRKEMS